The following is an entry in ClinVar:

ClinVar aggregate classification (germline): Conflicting classifications of pathogenicity. Review status: criteria provided, conflicting classifications (1 of 4 stars). 3 submissions from 3 submitters: Uncertain significance (1); Likely benign (2). Last evaluated 2023-07-01.

Allele frequency attached by ClinVar (database versions not stated): gnomAD 0.00004; ESP Exome Variant Server 0.00008; 1000 Genomes Project 30x 0.00016; 1000 Genomes Project 0.00020.
gnomAD v4.1: 87 of 1,612,814 alleles (0.0054%); highest among the groups gnomAD compares: Non-Finnish European, 0.0067%; no homozygotes.

Submissions (3):

CeGaT Center for Human Genetics Tuebingen
Classification: Likely benign. Last evaluated: 2023-07-01. Review status: criteria provided, single submitter. Criteria: CeGaT Center For Human Genetics Tuebingen Variant Classification Criteria Version 2. Collection method: clinical testing. Allele origin: germline. Affected: yes. Observed: 1 variant allele.
Comment: CDH15: BP4

Ambry Genetics
Classification: Uncertain significance. Last evaluated: 2023-02-22. Review status: criteria provided, single submitter. Criteria: Ambry Variant Classification Scheme 2023. Collection method: clinical testing. Allele origin: germline.

Blueprint Genetics
Classification: Likely benign. Last evaluated: 2020-03-12. Review status: criteria provided, single submitter. Criteria: ACMG Guidelines, 2015. Collection method: clinical testing. Allele origin: germline.

NM_004933.3(CDH15):c.1305C>G (p.His435Gln)

Gene: CDH15 (cadherin 15; plus strand). Cytogenetic location: 16q24.3.
Variant type: single nucleotide variant.
Coding change: c.1305C>G on transcript NM_004933.3 (MANE Select); coding-DNA position 1305, C replaced by G.
Protein change: p.His435Gln; replaces histidine 435 with glutamine.
Molecular consequence: missense variant.
Genome position (GRCh38, 1-based): chr16:89,191,402, C>G. VCF-style: chr16-89191402-C-G. GRCh37 (hg19) VCF-style: chr16-89257810-C-G.
Other names: short protein forms H435Q.
Identifiers: ClinVar variation 2463189 (VCV002463189.28), dbSNP rs191491461, ClinGen allele CA8239228.
Genomic context (GRCh38, chr16:89,191,402, plus strand): 5'-CTACGACCCGGAAGACTGGCTGCAAGTGGACGCAGCCACTGGCCGGATCCAGACCCAGCA[C>G]GTGCTCAGCCCGGCGTCCCCCTTCCTCAAGGGCGGCTGGTACAGAGCCATCGTCCTGGCC-3'
Protein context (NP_004924.1, residues 425-445): DAATGRIQTQ[His435Gln]VLSPASPFLK